The following is an entry in ClinVar:

ClinVar aggregate classification (germline): Uncertain significance (1 of 4 stars; one submission).

Submission:

Labcorp Genetics (formerly Invitae), Labcorp
Classification: Uncertain significance. Last evaluated: 2025-10-01. Review status: criteria provided, single submitter. Criteria: Invitae Variant Classification Sherloc (09022015). Collection method: clinical testing. Allele origin: germline.
Comment: This sequence change replaces proline, which is neutral and non-polar, with leucine, which is neutral and non-polar, at codon 430 of the SON protein (p.Pro430Leu). This variant is not present in population databases (gnomAD no frequency). This variant has not been reported in the literature in individuals affected with SON-related conditions. An algorithm developed to predict the effect of missense changes on protein structure and function (PolyPhen-2) suggests that this variant is likely to be disruptive. In summary, the available evidence is currently insufficient to determine the role of this variant in disease. Therefore, it has been classified as a Variant of Uncertain Significance.

NM_138927.4(SON):c.1289C>T (p.Pro430Leu)

Gene: SON (SON DNA and RNA binding protein; plus strand). Cytogenetic location: 21q22.11.
Variant type: single nucleotide variant.
Coding change: c.1289C>T on transcript NM_138927.4 (MANE Select); coding-DNA position 1289, C replaced by T.
Protein change: p.Pro430Leu; replaces proline 430 with leucine.
Molecular consequence: missense variant. On other transcripts: non-coding transcript variant (1), intron variant (1).
Genome position (GRCh38, 1-based): chr21:33,550,520, C>T. VCF-style: chr21-33550520-C-T. GRCh37 (hg19) VCF-style: chr21-34922826-C-T.
Other names: c.1289C>T, p.Pro430Leu (NM_001291411.2, NM_032195.3); c.244+4141C>T (NM_001291412.3); short protein forms P430L.
Identifiers: ClinVar variation 4812214 (VCV004812214.1).